The following is an entry in ClinVar:

NM_015311.3(OBSL1):c.4733A>G (p.Gln1578Arg)

Gene: OBSL1 (obscurin like cytoskeletal adaptor 1; minus strand). Cytogenetic location: 2q35.
Variant type: single nucleotide variant.
Coding change: c.4733A>G on transcript NM_015311.3 (MANE Select); coding-DNA position 4733, A replaced by G.
Protein change: p.Gln1578Arg; replaces glutamine 1578 with arginine.
Molecular consequence: missense variant.
Genome position (GRCh38, 1-based): chr2:219,554,617, T>C on the plus strand (A>G on the coding strand, the complement: OBSL1 is on the minus strand). VCF-style: chr2-219554617-T-C. GRCh37 (hg19) VCF-style: chr2-220419339-T-C.
Other names: short protein forms Q1578R.
Identifiers: ClinVar variation 334469 (VCV000334469.24), dbSNP rs10932814, ClinGen allele CA2130440.

ClinVar aggregate classification (germline): Benign. Review status: criteria provided, multiple submitters, no conflicts (2 of 4 stars). 9 submissions from 9 submitters: Benign (7). 2 of the submissions do not count toward it. Last evaluated 2026-05-08.

Conditions:
3M syndrome 2. Also called: 3-M Syndrome, OBSL1-Related; THREE M SYNDROME 2. Identifiers: Orphanet 2616, MedGen C2752041, MONDO:0013039, OMIM 612921.

Allele frequency attached by ClinVar (database versions not stated): 1000 Genomes Project 30x 0.95878; TOPMed 0.95880; gnomAD 0.96074 and 0.96333; 1000 Genomes Project 0.96106; ESP Exome Variant Server 0.96139; ExAC 0.98586; gnomAD exomes 0.98727 and 0.99165.
gnomAD v4.1: 1,594,631 of 1,612,786 alleles (99%); highest among the groups gnomAD compares: East Asian, 100%; 788,800 homozygotes.

Submissions (9):

Women's Health and Genetics/Laboratory Corporation of America, LabCorp
Classification: Benign. Last evaluated: 2026-05-08. Review status: criteria provided, single submitter. Criteria: LabCorp Variant Classification Summary - May 2015. Collection method: clinical testing. Allele origin: germline.

Labcorp Genetics (formerly Invitae), Labcorp
Classification: Benign. Last evaluated: 2026-02-04. Review status: criteria provided, single submitter. Criteria: Invitae Variant Classification Sherloc (09022015). Collection method: clinical testing. Allele origin: germline.

Blueprint Genetics
Classification: Benign. Last evaluated: 2024-11-26. Review status: criteria provided, single submitter. Criteria: ACMG Guidelines, 2015. Collection method: clinical testing. Allele origin: germline.

Genome-Nilou Lab
Classification: Benign for 3M syndrome 2. Last evaluated: 2021-09-05. Review status: criteria provided, single submitter. Criteria: ACMG Guidelines, 2015. Collection method: clinical testing. Allele origin: germline. Affected: no.

GeneDx
Classification: Benign. Last evaluated: 2021-03-26. Review status: criteria provided, single submitter. Criteria: GeneDx Variant Classification Process June 2021. Collection method: clinical testing. Allele origin: germline. Affected: yes.

Illumina Laboratory Services, Illumina
Classification: Benign for 3M syndrome 2. Last evaluated: 2018-01-13. Review status: criteria provided, single submitter. Criteria: ICSL Variant Classification Criteria 13 December 2019. Collection method: clinical testing. Allele origin: germline.
Comment: This variant was observed in the ICSL laboratory as part of a predisposition screen in an ostensibly healthy population. It had not been previously curated by ICSL or reported in the Human Gene Mutation Database (HGMD: prior to June 1st, 2018), and was therefore a candidate for classification through an automated scoring system. Utilizing variant allele frequency, disease prevalence and penetrance estimates, and inheritance mode, an automated score was calculated to assess if this variant is too frequent to cause the disease. Based on the score and internal cut-off values, a variant classified as benign is not then subjected to further curation. The score for this variant resulted in a classification of benign for this disease.

Breakthrough Genomics
Classification: Benign. Review status: criteria provided, single submitter. Criteria: ACMG Guidelines, 2015. Collection method: not provided. Allele origin: germline. Inheritance: Autosomal recessive inheritance. Affected: yes.

Diagnostic Laboratory, Department of Genetics, University Medical Center Groningen
Classification: Benign. Review status: no assertion criteria provided. Collection method: clinical testing. Allele origin: germline. Affected: yes. Study: VKGL Data-share Consensus. Not counted in ClinVar's aggregate classification.

Joint Genome Diagnostic Labs from Nijmegen and Maastricht, Radboudumc and MUMC+
Classification: Benign. Review status: no assertion criteria provided. Collection method: clinical testing. Allele origin: germline. Affected: yes. Study: VKGL Data-share Consensus. Not counted in ClinVar's aggregate classification.